The following is an entry in ClinVar:

NM_000045.4(ARG1):c.707dup (p.Asp237fs)

Genes: ARG1 (arginase 1; plus strand), MED23 (mediator complex subunit 23; minus strand). Cytogenetic location: 6q23.2.
Variant type: Duplication.
Coding change: c.707dup on transcript NM_000045.4 (MANE Select); coding-DNA position 707, one base duplicated (T; older notation c.707dupT).
Protein change: p.Asp237fs; shifts the reading frame from aspartic acid 237.
Molecular consequence: frameshift variant. On other transcripts: non-coding transcript variant (1), intron variant (2).
Genome position (GRCh38, 1-based): chr6:131,583,396, T duplicated. VCF-style (leftmost placement, unchanged base first): chr6-131583395-C-CT. GRCh37 (hg19) VCF-style: chr6-131904535-C-CT.
Other names: c.731dup, p.Asp245fs (NM_001244438.2); c.452dup, p.Asp152fs (NM_001369020.1); c.4077+4313dup (NM_001270521.2); c.4095+4313dup (NM_015979.4); short protein forms D152fs, D237fs, D245fs.
Identifiers: ClinVar variation 2678313 (VCV002678313.4), dbSNP rs2482386783, ClinGen allele CA2695198354.

ClinVar aggregate classification (germline): Pathogenic/Likely pathogenic. Review status: criteria provided, multiple submitters, no conflicts (2 of 4 stars). 2 submissions from 2 submitters: Pathogenic (1); Likely pathogenic (1). Last evaluated 2023-03-26.

Conditions:
Arginase deficiency. Also called: ARGININEMIA; ARG1 DEFICIENCY; Arginase 1 Deficiency. Identifiers: Orphanet 90, MedGen C0268548, MONDO:0008814, OMIM 207800.

Submissions (2):

Labcorp Genetics (formerly Invitae), Labcorp
Classification: Pathogenic for Arginase deficiency. Last evaluated: 2023-03-26. Review status: criteria provided, single submitter. Criteria: Invitae Variant Classification Sherloc (09022015). Collection method: clinical testing. Allele origin: germline.
Comment: For these reasons, this variant has been classified as Pathogenic. This variant disrupts a region of the ARG1 protein in which other variant(s) (p.Ala298Pro) have been determined to be pathogenic (PMID: 624188, 21802329, 27898091; Invitae). This suggests that this is a clinically significant region of the protein, and that variants that disrupt it are likely to be disease-causing. This premature translational stop signal has been observed in individual(s) with a positive newborn screening result for ARG1-related disease (Invitae). This variant is not present in population databases (gnomAD no frequency). This sequence change creates a premature translational stop signal (p.Asp237Glyfs*75) in the ARG1 gene. While this is not anticipated to result in nonsense mediated decay, it is expected to disrupt the last 86 amino acid(s) of the ARG1 protein.

Baylor Genetics
Classification: Likely pathogenic for Arginase deficiency. Last evaluated: 2022-06-01. Review status: criteria provided, single submitter. Criteria: ACMG Guidelines, 2015. Collection method: clinical testing. Allele origin: unknown.

Literature cited by the submitters: PubMed 624188 (cited by Labcorp Genetics (formerly Invitae), Labcorp); PubMed 21802329 (cited by Labcorp Genetics (formerly Invitae), Labcorp); PubMed 27898091 (cited by Labcorp Genetics (formerly Invitae), Labcorp).